The following is an entry in ClinVar:

NM_018557.3(LRP1B):c.2811G>A (p.Gly937=)

Gene: LRP1B (LDL receptor related protein 1B; minus strand). Cytogenetic location: 2q22.1.
Variant type: single nucleotide variant.
Coding change: c.2811G>A on transcript NM_018557.3 (MANE Select); coding-DNA position 2811, G replaced by A.
Protein change: p.Gly937=; no amino-acid change (glycine 937 retained).
Molecular consequence: synonymous variant.
Genome position (GRCh38, 1-based): chr2:140,982,236, C>T on the plus strand (G>A on the coding strand, the complement: LRP1B is on the minus strand). VCF-style: chr2-140982236-C-T. GRCh37 (hg19) VCF-style: chr2-141739805-C-T.
Identifiers: ClinVar variation 3039359 (VCV003039359.2), dbSNP rs113493406, ClinGen allele CA1895615.
Genomic context (GRCh38, chr2:140,982,236, plus strand): 5'-ATCTGTCTGGTCACCACAGTCGTCTTCCCTGTCACACAGCCATGCTCTGGGAATGCAACG[C>T]CCATTTCCGCAAGAAAACTGGTCTACCTGGCATGTTCTGGCTATGATGATCAATTAATAA-3'
Protein context (NP_061027.2, residues 927-947): CQVDQFSCGN[Gly937=]RCIPRAWLCD

ClinVar aggregate classification (germline): Likely benign (0 of 4 stars; one submission).

Conditions:
LRP1B-related disorder. Also called: LRP1B-related condition.

Allele frequency attached by ClinVar (database versions not stated): gnomAD exomes 0.00026; ExAC 0.00089; 1000 Genomes Project 30x 0.00203; 1000 Genomes Project 0.00220; gnomAD 0.00275; ESP Exome Variant Server 0.00323; TOPMed 0.00345.
gnomAD v4.1: 825 of 1,613,314 alleles (0.051%); highest among the groups gnomAD compares: African/African-American, 0.98%; 1 homozygote.

Submission:

PreventionGenetics, part of Exact Sciences
Classification: Likely benign for LRP1B-related condition. Last evaluated: 2019-04-01. Review status: no assertion criteria provided. Collection method: clinical testing. Allele origin: germline.
Comment: This variant is classified as likely benign based on ACMG/AMP sequence variant interpretation guidelines (Richards et al. 2015 PMID: 25741868, with internal and published modifications).